The following is an entry in ClinVar:

ClinVar aggregate classification (germline): Uncertain significance (1 of 4 stars; one submission).

Allele frequency attached by ClinVar (database versions not stated): ExAC 0.00001.
gnomAD v4.1: 3 of 1,606,174 alleles (0.00019%); highest among the groups gnomAD compares: South Asian, 0.0022%; no homozygotes.

Submission:

Labcorp Genetics (formerly Invitae), Labcorp
Classification: Uncertain significance. Last evaluated: 2022-02-22. Review status: criteria provided, single submitter. Criteria: Invitae Variant Classification Sherloc (09022015). Collection method: clinical testing. Allele origin: germline.
Comment: This sequence change replaces lysine, which is basic and polar, with glutamic acid, which is acidic and polar, at codon 476 of the ADD3 protein (p.Lys476Glu). This variant is present in population databases (rs762751099, gnomAD 0.003%). This variant has not been reported in the literature in individuals affected with ADD3-related conditions. Algorithms developed to predict the effect of missense changes on protein structure and function are either unavailable or do not agree on the potential impact of this missense change (SIFT: "Not Available"; PolyPhen-2: "Benign"; Align-GVGD: "Not Available"). In summary, the available evidence is currently insufficient to determine the role of this variant in disease. Therefore, it has been classified as a Variant of Uncertain Significance.

NM_016824.5(ADD3):c.1426A>G (p.Lys476Glu)

Gene: ADD3 (adducin 3; plus strand). Cytogenetic location: 10q25.2.
Variant type: single nucleotide variant.
Coding change: c.1426A>G on transcript NM_016824.5 (MANE Select); coding-DNA position 1426, A replaced by G.
Protein change: p.Lys476Glu; replaces lysine 476 with glutamic acid.
Molecular consequence: missense variant.
Genome position (GRCh38, 1-based): chr10:110,125,850, A>G. VCF-style: chr10-110125850-A-G. GRCh37 (hg19) VCF-style: chr10-111885608-A-G.
Other names: c.1426A>G, p.Lys476Glu (NM_001121.4, NM_001320591.2, NM_001320592.2 and 2 more transcripts); c.1192A>G, p.Lys398Glu (NM_001320594.2); short protein forms K398E, K476E.
Identifiers: ClinVar variation 2096463 (VCV002096463.4), dbSNP rs762751099, ClinGen allele CA5686615.